The following is an entry in ClinVar:

ClinVar aggregate classification (germline): Pathogenic (1 of 4 stars; one submission).

Allele frequency attached by ClinVar (database versions not stated): gnomAD exomes below 0.00001.

Submission:

Labcorp Genetics (formerly Invitae), Labcorp
Classification: Pathogenic. Last evaluated: 2021-04-10. Review status: criteria provided, single submitter. Criteria: Invitae Variant Classification Sherloc (09022015). Collection method: clinical testing. Allele origin: germline.
Comment: For these reasons, this variant has been classified as Pathogenic. This variant has not been reported in the literature in individuals with LAMA3-related conditions. This variant is not present in population databases (ExAC no frequency). This sequence change creates a premature translational stop signal (p.Gln301*) in the LAMA3 gene. It is expected to result in an absent or disrupted protein product. Loss-of-function variants in LAMA3 are known to be pathogenic (PMID: 10366601, 11810295, 12915477, 16473856, 17362460, 23869449, 28087116).

Literature cited by the submitters: PubMed 10366601; PubMed 11810295; PubMed 12915477; PubMed 16473856; PubMed 17362460; PubMed 23869449; PubMed 28087116.

NM_198129.4(LAMA3):c.5728C>T (p.Gln1910Ter)

Gene: LAMA3 (laminin subunit alpha 3; plus strand). Cytogenetic location: 18q11.2.
Variant type: single nucleotide variant.
Coding change: c.5728C>T on transcript NM_198129.4 (MANE Select); coding-DNA position 5728, C replaced by T.
Protein change: p.Gln1910Ter; replaces glutamine 1910 with a stop codon.
Molecular consequence: nonsense.
Genome position (GRCh38, 1-based): chr18:23,898,957, C>T. VCF-style: chr18-23898957-C-T. GRCh37 (hg19) VCF-style: chr18-21478921-C-T.
Other names: c.901C>T, p.Gln301Ter (NM_000227.6, NM_001127718.4); c.5728C>T, p.Gln1910Ter (NM_001127717.4); short protein forms Q1910*, Q301*.
Identifiers: ClinVar variation 1404615 (VCV001404615.6), dbSNP rs1220989716, ClinGen allele CA402046569.